The following is an entry in ClinVar:

NM_001378615.1(CC2D2A):c.4718C>T (p.Pro1573Leu)

Genes: CC2D2A (coiled-coil and C2 domain containing 2A; plus strand), FBXL5 (F-box and leucine rich repeat protein 5; minus strand). Cytogenetic location: 4p15.32.
Variant type: single nucleotide variant.
Coding change: c.4718C>T on transcript NM_001378615.1 (MANE Select); coding-DNA position 4718, C replaced by T.
Protein change: p.Pro1573Leu; replaces proline 1573 with leucine.
Molecular consequence: missense variant.
Genome position (GRCh38, 1-based): chr4:15,601,280, C>T. VCF-style: chr4-15601280-C-T. GRCh37 (hg19) VCF-style: chr4-15602903-C-T.
Other names: c.4718C>T, p.Pro1573Leu (NM_001080522.2); c.4571C>T, p.Pro1524Leu (NM_001378617.1); short protein forms P1573L, P1524L.
Identifiers: ClinVar variation 2106885 (VCV002106885.1), dbSNP rs1721583139, ClinGen allele CA356436166.

ClinVar aggregate classification (germline): Uncertain significance (1 of 4 stars; one submission).

Conditions:
Joubert syndrome. Also called: JOUBERT-BOLTSHAUSER SYNDROME; Familial aplasia of the vermis. Identifiers: Orphanet 475, MedGen C5979921, MONDO:0018772.
Meckel-Gruber syndrome. Also called: DYSENCEPHALIA SPLANCHNOCYSTICA; GRUBER SYNDROME; Dysencephalia splachnocystica. Identifiers: Orphanet 564, MedGen C0265215, MONDO:0018921.

Submission:

Labcorp Genetics (formerly Invitae), Labcorp
Classification: Uncertain significance for Joubert syndrome; Meckel-Gruber syndrome. Last evaluated: 2022-03-04. Review status: criteria provided, single submitter. Criteria: Invitae Variant Classification Sherloc (09022015). Collection method: clinical testing. Allele origin: germline.
Comment: This sequence change replaces proline, which is neutral and non-polar, with leucine, which is neutral and non-polar, at codon 1573 of the CC2D2A protein (p.Pro1573Leu). This variant is not present in population databases (gnomAD no frequency). This variant has not been reported in the literature in individuals affected with CC2D2A-related conditions. Advanced modeling of protein sequence and biophysical properties (such as structural, functional, and spatial information, amino acid conservation, physicochemical variation, residue mobility, and thermodynamic stability) performed at Invitae indicates that this missense variant is expected to disrupt CC2D2A protein function. In summary, the available evidence is currently insufficient to determine the role of this variant in disease. Therefore, it has been classified as a Variant of Uncertain Significance.